The following is an entry in ClinVar:

NM_000169.3(GLA):c.671del (p.Asn224fs)

Genes: GLA (galactosidase alpha; minus strand), RPL36A-HNRNPH2 (RPL36A-HNRNPH2 readthrough; plus strand). Cytogenetic location: Xq22.1.
Variant type: Deletion.
Coding change: c.671del on transcript NM_000169.3 (MANE Select); coding-DNA position 671, one base deleted (A; older notation c.671delA).
Protein change: p.Asn224fs; shifts the reading frame from asparagine 224.
Molecular consequence: frameshift variant. On other transcripts: non-coding transcript variant (3), intron variant (2).
Genome position (GRCh38, 1-based): chrX:101,398,915, T deleted on the plus strand (A on the coding strand, the reverse complement: GLA is on the minus strand); the first of 2 consecutive T bases (chrX:101,398,915-101,398,916); deleting either gives the same sequence. VCF-style (leftmost placement, unchanged base first): chrX-101398914-AT-A. GRCh37 (hg19) VCF-style: chrX-100653902-AT-A.
Other names: c.794del, p.Asn265fs (NM_001406747.1); c.671del, p.Asn224fs (NM_001406748.1); c.300+3459del (NM_001199973.2); c.177+7094del (NM_001199974.2); short protein forms N224fs, N265fs.
Identifiers: ClinVar variation 4086990 (VCV004086990.2).

ClinVar aggregate classification (germline): Pathogenic (1 of 4 stars; one submission).

Conditions:
Fabry disease. Also called: ALPHA-GALACTOSIDASE A DEFICIENCY; ANDERSON-FABRY DISEASE; CERAMIDE TRIHEXOSIDASE DEFICIENCY; GLA DEFICIENCY; HEREDITARY DYSTOPIC LIPIDOSIS; Angiokeratoma corporis diffusum. Identifiers: Orphanet 324, MedGen C0002986, MONDO:0010526, OMIM 301500, HP:0001071. Disease mechanism: Fabry disease is due to inactivating mutations in the X-linked GLA gene resulting in deficiency of the enzyme Alpha Galactosidase-A., loss of function.

Submission:

Genomenon, Inc
Classification: Pathogenic for Fabry disease. Last evaluated: 2026-09-08. Review status: criteria provided, single submitter. Criteria: Genomenon Sequence Variant Interpretation Standards - Updated. Collection method: curation. Allele origin: germline. Affected: yes.
Comment: GLA p.Asn224IlefsTer16 (c.671del) is a frameshift variant that is predicted to introduce a premature termination codon and result in a truncated or absent protein product. This variant has been observed in at least one proband with clinical features consistent with Fabry disease (PMID:39182239). It is absent or not present at a significant frequency in gnomAD. In conclusion, we classify GLA p.Asn224IlefsTer16 (c.671del) as a pathogenic variant.

Literature cited by the submitters: PubMed 39182239.